The following is an entry in ClinVar:

ClinVar aggregate classification (germline): Uncertain significance (1 of 4 stars; one submission).

gnomAD v4.1: 1 of 1,613,728 alleles (0.000062%); highest among the groups gnomAD compares: African/African-American, 0.0013%; no homozygotes.

Submission:

Labcorp Genetics (formerly Invitae), Labcorp
Classification: Uncertain significance. Last evaluated: 2024-07-06. Review status: criteria provided, single submitter. Criteria: Invitae Variant Classification Sherloc (09022015). Collection method: clinical testing. Allele origin: germline.
Comment: This sequence change replaces alanine, which is neutral and non-polar, with serine, which is neutral and polar, at codon 1093 of the HMCN1 protein (p.Ala1093Ser). This variant is present in population databases (rs765303383, gnomAD 0.007%). This variant has not been reported in the literature in individuals affected with HMCN1-related conditions. An algorithm developed to predict the effect of missense changes on protein structure and function (PolyPhen-2) suggests that this variant is likely to be disruptive. In summary, the available evidence is currently insufficient to determine the role of this variant in disease. Therefore, it has been classified as a Variant of Uncertain Significance.

NM_031935.3(HMCN1):c.3277G>T (p.Ala1093Ser)

Gene: HMCN1 (hemicentin 1; plus strand). Cytogenetic location: 1q31.1.
Variant type: single nucleotide variant.
Coding change: c.3277G>T on transcript NM_031935.3 (MANE Select); coding-DNA position 3277, G replaced by T.
Protein change: p.Ala1093Ser; replaces alanine 1093 with serine.
Molecular consequence: missense variant.
Genome position (GRCh38, 1-based): chr1:185,990,343, G>T. VCF-style: chr1-185990343-G-T. GRCh37 (hg19) VCF-style: chr1-185959475-G-T.
Other names: short protein forms A1093S.
Identifiers: ClinVar variation 3690972 (VCV003690972.2).